The following is an entry in ClinVar:

NM_004656.4(BAP1):c.230T>C (p.Val77Ala)

Gene: BAP1 (BRCA1 associated deubiquitinase 1; minus strand). Cytogenetic location: 3p21.1.
Variant type: single nucleotide variant.
Coding change: c.230T>C on transcript NM_004656.4 (MANE Select); coding-DNA position 230, T replaced by C.
Protein change: p.Val77Ala; replaces valine 77 with alanine.
Molecular consequence: missense variant.
Genome position (GRCh38, 1-based): chr3:52,408,499, A>G on the plus strand (T>C on the coding strand, the complement: BAP1 is on the minus strand). VCF-style: chr3-52408499-A-G. GRCh37 (hg19) VCF-style: chr3-52442515-A-G.
Other names: c.230T>C, p.Val77Ala (NM_001410772.1); c.230T>C (NM_004656.3); short protein forms V77A.
Identifiers: ClinVar variation 1948131 (VCV001948131.6), dbSNP rs2153228295, ClinGen allele CA353113057.

ClinVar aggregate classification (germline): Uncertain significance. Review status: criteria provided, multiple submitters, no conflicts (2 of 4 stars). 2 submissions from 2 submitters: Uncertain significance (2). Last evaluated 2023-04-10.

Conditions:
BAP1-related tumor predisposition syndrome (TPDS1). Also called: Tumor susceptibility linked to germline BAP1 mutations; COMMON Syndrome; TUMOR PREDISPOSITION SYNDROME 1; BAP1 tumor predisposition syndrome. Identifiers: Orphanet 289539, MedGen C3280492, MONDO:0013692, OMIM 614327.

Allele frequency attached by ClinVar (database versions not stated): gnomAD exomes below 0.00001.
gnomAD v4.1: 1 of 1,612,256 alleles (0.000062%); highest among the groups gnomAD compares: Non-Finnish European, 0.000085%; no homozygotes.

Submissions (2):

GeneDx
Classification: Uncertain significance. Last evaluated: 2023-04-10. Review status: criteria provided, single submitter. Criteria: GeneDx Variant Classification Process June 2021. Collection method: clinical testing. Allele origin: germline. Affected: yes.
Comment: Not observed at significant frequency in large population cohorts (gnomAD); In silico analysis supports that this missense variant has a deleterious effect on protein structure/function; Has not been previously published as pathogenic or benign to our knowledge

Labcorp Genetics (formerly Invitae), Labcorp
Classification: Uncertain significance for BAP1-related tumor predisposition syndrome. Last evaluated: 2022-05-25. Review status: criteria provided, single submitter. Criteria: Invitae Variant Classification Sherloc (09022015). Collection method: clinical testing. Allele origin: germline.
Comment: Algorithms developed to predict the effect of sequence changes on RNA splicing suggest that this variant may disrupt the consensus splice site. Algorithms developed to predict the effect of missense changes on protein structure and function are either unavailable or do not agree on the potential impact of this missense change (SIFT: "Tolerated"; PolyPhen-2: "Probably Damaging"; Align-GVGD: "Class C0"). This variant has not been reported in the literature in individuals affected with BAP1-related conditions. In summary, the available evidence is currently insufficient to determine the role of this variant in disease. Therefore, it has been classified as a Variant of Uncertain Significance. This sequence change replaces valine, which is neutral and non-polar, with alanine, which is neutral and non-polar, at codon 77 of the BAP1 protein (p.Val77Ala). This variant is not present in population databases (gnomAD no frequency).